The following is an entry in ClinVar:

NM_006904.7(PRKDC):c.2671C>G (p.Arg891Gly)

Gene: PRKDC (protein kinase, DNA-activated, catalytic subunit; minus strand). Cytogenetic location: 8q11.21.
Variant type: single nucleotide variant.
Coding change: c.2671C>G on transcript NM_006904.7 (MANE Select); coding-DNA position 2671, C replaced by G.
Protein change: p.Arg891Gly; replaces arginine 891 with glycine.
Molecular consequence: missense variant.
Genome position (GRCh38, 1-based): chr8:47,914,011, G>C on the plus strand (C>G on the coding strand, the complement: PRKDC is on the minus strand). VCF-style: chr8-47914011-G-C. GRCh37 (hg19) VCF-style: chr8-48826571-G-C.
Other names: c.2671C>G, p.Arg891Gly (NM_001081640.2); short protein forms R891G.
Identifiers: ClinVar variation 1794556 (VCV001794556.2), dbSNP rs766419415, ClinGen allele CA371159420.

ClinVar aggregate classification (germline): Uncertain significance (1 of 4 stars; one submission).

gnomAD v4.1: 5 of 1,599,128 alleles (0.00031%); highest among the groups gnomAD compares: Admixed American, 0.0017%; no homozygotes.

Submission:

Ambry Genetics
Classification: Uncertain significance. Last evaluated: 2022-05-26. Review status: criteria provided, single submitter. Criteria: Ambry Variant Classification Scheme 2023. Collection method: clinical testing. Allele origin: germline.
Comment: The p.R891G variant (also known as c.2671C>G), located in coding exon 24 of the PRKDC gene, results from a C to G substitution at nucleotide position 2671. The arginine at codon 891 is replaced by glycine, an amino acid with dissimilar properties. This amino acid position is conserved. In addition, this alteration is predicted to be tolerated by in silico analysis. Since supporting evidence is limited at this time, the clinical significance of this alteration remains unclear.